The following is an entry in ClinVar:

ClinVar aggregate classification (germline): Likely pathogenic (1 of 4 stars; one submission).

Conditions:
Split hand-foot malformation 1 with sensorineural hearing loss. Also called: SPLIT-HAND/FOOT MALFORMATION 1 WITH SENSORINEURAL HEARING LOSS, AUTOSOMAL RECESSIVE; DEAFNESS, CONGENITAL, WITH SPLIT HANDS AND FEET. Identifiers: Orphanet 71271, MedGen C1857344, MONDO:0009080, OMIM 220600.

Submission:

Foundation for Research in Genetics and Endocrinology, FRIGE's Institute of Human Genetics
Classification: Likely pathogenic for Split hand-foot malformation 1 with sensorineural hearing loss. Last evaluated: 2025-04-25. Review status: criteria provided, single submitter. Criteria: ACMG Guidelines, 2015. Collection method: clinical testing. Allele origin: germline. Inheritance: Autosomal recessive inheritance. Affected: yes. Observed: 1 homozygote.
Comment: A homozygous missense variant in exon 2 of the DLX5 gene that results in an amino acid substitution of Valine for Alanine at codon 171 was detected. The observed variant c.512C>T (p.Ala171Val) has not been reported in the 1000 genomes and gnomAD databases. The in-silico prediction of the variant are possibly deleterious by SIFT, PROVEAN and MutationTaster with a CADD score of 32. In summary, the variant meets our criteria to be classified as likely pathogenic.

NM_005221.6(DLX5):c.512C>T (p.Ala171Val)

Gene: DLX5 (distal-less homeobox 5; minus strand). Cytogenetic location: 7q21.3.
Variant type: single nucleotide variant.
Coding change: c.512C>T on transcript NM_005221.6 (MANE Select); coding-DNA position 512, C replaced by T.
Protein change: p.Ala171Val; replaces alanine 171 with valine.
Molecular consequence: missense variant.
Genome position (GRCh38, 1-based): chr7:97,022,213, G>A on the plus strand (C>T on the coding strand, the complement: DLX5 is on the minus strand). VCF-style: chr7-97022213-G-A. GRCh37 (hg19) VCF-style: chr7-96651525-G-A.
Other names: p.Ala171Val; short protein forms A171V.
Identifiers: ClinVar variation 3893225 (VCV003893225.1).